The following is an entry in ClinVar:

NM_004211.5(SLC6A5):c.469A>C (p.Ser157Arg)

Gene: SLC6A5 (solute carrier family 6 member 5; plus strand). Cytogenetic location: 11p15.1.
Variant type: single nucleotide variant.
Coding change: c.469A>C on transcript NM_004211.5 (MANE Select); coding-DNA position 469, A replaced by C.
Protein change: p.Ser157Arg; replaces serine 157 with arginine.
Molecular consequence: missense variant. On other transcripts: 5 prime UTR variant (1).
Genome position (GRCh38, 1-based): chr11:20,601,594, A>C. VCF-style: chr11-20601594-A-C. GRCh37 (hg19) VCF-style: chr11-20623140-A-C.
Other names: c.-95A>C (NM_001318369.2); short protein forms S157R.
Identifiers: ClinVar variation 1420201 (VCV001420201.6), dbSNP rs1590152118, ClinGen allele CA379912333.

ClinVar aggregate classification (germline): Uncertain significance (1 of 4 stars; one submission).

Conditions:
Hyperekplexia 3 (HKPX3). Also called: HYPEREKPLEXIA 3, AUTOSOMAL RECESSIVE; HYPEREKPLEXIA 3, AUTOSOMAL DOMINANT. Identifiers: Orphanet 3197, MedGen C3553288, MONDO:0013827, OMIM 614618.

Submission:

Labcorp Genetics (formerly Invitae), Labcorp
Classification: Uncertain significance for Hyperekplexia 3. Last evaluated: 2024-01-17. Review status: criteria provided, single submitter. Criteria: Invitae Variant Classification Sherloc (09022015). Collection method: clinical testing. Allele origin: germline.
Comment: This sequence change replaces serine, which is neutral and polar, with arginine, which is basic and polar, at codon 157 of the SLC6A5 protein (p.Ser157Arg). This variant is not present in population databases (gnomAD no frequency). This variant has not been reported in the literature in individuals affected with SLC6A5-related conditions. ClinVar contains an entry for this variant (Variation ID: 1420201). Advanced modeling of protein sequence and biophysical properties (such as structural, functional, and spatial information, amino acid conservation, physicochemical variation, residue mobility, and thermodynamic stability) performed at Invitae indicates that this missense variant is not expected to disrupt SLC6A5 protein function with a negative predictive value of 95%. In summary, the available evidence is currently insufficient to determine the role of this variant in disease. Therefore, it has been classified as a Variant of Uncertain Significance.